The following is an entry in ClinVar:

NM_001010867.4(IBA57):c.494G>A (p.Ser165Asn)

Gene: IBA57 (iron-sulfur cluster assembly factor IBA57; plus strand). Cytogenetic location: 1q42.13.
Variant type: single nucleotide variant.
Coding change: c.494G>A on transcript NM_001010867.4 (MANE Select); coding-DNA position 494, G replaced by A.
Protein change: p.Ser165Asn; replaces serine 165 with asparagine.
Molecular consequence: missense variant. On other transcripts: 5 prime UTR variant (1).
Genome position (GRCh38, 1-based): chr1:228,174,844, G>A. VCF-style: chr1-228174844-G-A. GRCh37 (hg19) VCF-style: chr1-228362545-G-A.
Other names: c.-86G>A (NM_001310327.2); short protein forms S165N.
Identifiers: ClinVar variation 2157550 (VCV002157550.4), dbSNP rs2527918771, ClinGen allele CA345112881.

ClinVar aggregate classification (germline): Uncertain significance (1 of 4 stars; one submission).

Conditions:
Hereditary spastic paraplegia 74. Also called: Spastic paraplegia 74, autosomal recessive. Identifiers: Orphanet 468661, MedGen C5568837, MONDO:0014644, OMIM 616451.
Multiple mitochondrial dysfunctions syndrome 3 (MMDS3). Identifiers: Orphanet 363424, MedGen C3809165, MONDO:0014132, OMIM 615330.

Allele frequency attached by ClinVar (database versions not stated): gnomAD exomes below 0.00001.
gnomAD v4.1: 3 of 1,610,492 alleles (0.00019%); highest among the groups gnomAD compares: Non-Finnish European, 0.00025%; no homozygotes.

Submission:

Labcorp Genetics (formerly Invitae), Labcorp
Classification: Uncertain significance for Multiple mitochondrial dysfunctions syndrome 3; Hereditary spastic paraplegia 74. Last evaluated: 2022-08-10. Review status: criteria provided, single submitter. Criteria: Invitae Variant Classification Sherloc (09022015). Collection method: clinical testing. Allele origin: germline.
Comment: This variant is not present in population databases (gnomAD no frequency). This sequence change replaces serine, which is neutral and polar, with asparagine, which is neutral and polar, at codon 165 of the IBA57 protein (p.Ser165Asn). In summary, the available evidence is currently insufficient to determine the role of this variant in disease. Therefore, it has been classified as a Variant of Uncertain Significance. Algorithms developed to predict the effect of missense changes on protein structure and function (SIFT, PolyPhen-2, Align-GVGD) all suggest that this variant is likely to be tolerated. This variant has not been reported in the literature in individuals affected with IBA57-related conditions.